The following is an entry in ClinVar:

ClinVar aggregate classification (germline): Likely benign (0 of 4 stars; one submission).

Conditions:
UACA-related disorder. Also called: UACA-related condition.

Allele frequency attached by ClinVar (database versions not stated): gnomAD 0.00001; gnomAD exomes 0.00001; TOPMed 0.00001.
gnomAD v4.1: 7 of 1,587,292 alleles (0.00044%); highest among the groups gnomAD compares: Admixed American, 0.0089%; no homozygotes.

Submission:

PreventionGenetics, part of Exact Sciences
Classification: Likely benign for UACA-related condition. Last evaluated: 2019-09-23. Review status: no assertion criteria provided. Collection method: clinical testing. Allele origin: germline.
Comment: This variant is classified as likely benign based on ACMG/AMP sequence variant interpretation guidelines (Richards et al. 2015 PMID: 25741868, with internal and published modifications).

NM_018003.4(UACA):c.831G>A (p.Leu277=)

Gene: UACA (uveal autoantigen with coiled-coil domains and ankyrin repeats; minus strand). Cytogenetic location: 15q23.
Variant type: single nucleotide variant.
Coding change: c.831G>A on transcript NM_018003.4 (MANE Select); coding-DNA position 831, G replaced by A.
Protein change: p.Leu277=; no amino-acid change (leucine 277 retained).
Molecular consequence: synonymous variant.
Genome position (GRCh38, 1-based): chr15:70,679,668, C>T on the plus strand (G>A on the coding strand, the complement: UACA is on the minus strand). VCF-style: chr15-70679668-C-T. GRCh37 (hg19) VCF-style: chr15-70972007-C-T.
Other names: c.792G>A, p.Leu264= (NM_001008224.3).
Identifiers: ClinVar variation 3041158 (VCV003041158.2), dbSNP rs1288295243, ClinGen allele CA490986530.
Genomic context (GRCh38, chr15:70,679,668, plus strand): 5'-CTGAATATTTTGATGCTCCCTCTGATGTGACTTCACATTTACTTCATCTTGCATGTGTGT[C>T]AAATTTCGCTTTGGTAAAACATAAGAAAACACGGGTCAGCAAGTGTAAGAATACAGAAAA-3'
Protein context (NP_060473.2, residues 267-287): KKGPSLQQRN[Leu277=]THMQDEVNVK